The following is an entry in ClinVar:

NM_153240.5(NPHP3):c.3311A>G (p.Tyr1104Cys)

Genes: NPHP3 (nephrocystin 3; minus strand), NPHP3-ACAD11 (NPHP3-ACAD11 readthrough (NMD candidate); minus strand). Cytogenetic location: 3q22.1.
Variant type: single nucleotide variant.
Coding change: c.3311A>G on transcript NM_153240.5 (MANE Select); coding-DNA position 3311, A replaced by G.
Protein change: p.Tyr1104Cys; replaces tyrosine 1104 with cysteine.
Molecular consequence: missense variant. On other transcripts: non-coding transcript variant (1).
Genome position (GRCh38, 1-based): chr3:132,686,278, T>C on the plus strand (A>G on the coding strand, the complement: NPHP3 is on the minus strand). VCF-style: chr3-132686278-T-C. GRCh37 (hg19) VCF-style: chr3-132405122-T-C.
Other names: short protein forms Y1104C.
Identifiers: ClinVar variation 598704 (VCV000598704.18), dbSNP rs571618016, ClinGen allele CA2621777.

ClinVar aggregate classification (germline): Uncertain significance. Review status: criteria provided, multiple submitters, no conflicts (2 of 4 stars). 6 submissions from 6 submitters: Uncertain significance (6). Last evaluated 2024-10-23.

Conditions:
Kidney disorder. Also called: Nephropathy; Kidney disease; Kidney Diseases; renal disorder; renal disease. Identifiers: MedGen C0022658, MONDO:0005240, HP:0000112.
Renal-hepatic-pancreatic dysplasia 1 (RHPD1). Identifiers: MedGen C3715199, MONDO:0008833, OMIM 208540.
Nephronophthisis 3 (NPHP3). Also called: Adolescent nephronophthisis. Identifiers: Orphanet 655, MedGen C1858392, MONDO:0011456, OMIM 604387.
NPHP3-related Meckel-like syndrome. Also called: Meckel syndrome type 7; GOLDSTON SYNDROME. Identifiers: Orphanet 3032, MedGen C2673885, MONDO:0009966, OMIM 267010.
Nephronophthisis. Also called: Juvenile Nephronophthisis. Identifiers: Orphanet 655, MedGen C0687120, MONDO:0019005, HP:0000090.

Allele frequency attached by ClinVar (database versions not stated): gnomAD 0.00002 and 0.00004; gnomAD exomes 0.00002 and 0.00005; TOPMed 0.00003; ExAC 0.00004; 1000 Genomes Project 0.00040; 1000 Genomes Project 30x 0.00062.
gnomAD v4.1: 32 of 1,613,866 alleles (0.002%); highest among the groups gnomAD compares: East Asian, 0.04%; no homozygotes.

Submissions (6):

Labcorp Genetics (formerly Invitae), Labcorp
Classification: Uncertain significance for Nephronophthisis. Last evaluated: 2024-10-23. Review status: criteria provided, single submitter. Criteria: Invitae Variant Classification Sherloc (09022015). Collection method: clinical testing. Allele origin: germline.
Comment: This sequence change replaces tyrosine, which is neutral and polar, with cysteine, which is neutral and slightly polar, at codon 1104 of the NPHP3 protein (p.Tyr1104Cys). This variant is present in population databases (rs571618016, gnomAD 0.05%). This variant has not been reported in the literature in individuals affected with NPHP3-related conditions. ClinVar contains an entry for this variant (Variation ID: 598704). Invitae Evidence Modeling of protein sequence and biophysical properties (such as structural, functional, and spatial information, amino acid conservation, physicochemical variation, residue mobility, and thermodynamic stability) indicates that this missense variant is expected to disrupt NPHP3 protein function with a positive predictive value of 80%. In summary, the available evidence is currently insufficient to determine the role of this variant in disease. Therefore, it has been classified as a Variant of Uncertain Significance.

Victorian Clinical Genetics Services, Murdoch Childrens Research Institute
Classification: Uncertain significance for Nephronophthisis 3. Last evaluated: 2024-09-23. Review status: criteria provided, single submitter. Criteria: ACMG Guidelines, 2015. Collection method: clinical testing. Allele origin: germline. Inheritance: Autosomal recessive inheritance. Affected: yes.
Comment: Based on the classification scheme VCGS_Germline_v1.3.4, this variant is classified as VUS-3B. Following criteria are met: 0102 - Loss of function is a known mechanism of disease in this gene and is associated with Meckel syndrome 7 (MIM#267010), nephronophthisis 3 (MIM#604387) and renal-hepatic-pancreatic dysplasia 1 (MIM#208540). (I) 0106 - This gene is associated with autosomal recessive disease. (I) 0200 - Variant is predicted to result in a missense amino acid change from tyrosine to cysteine. (I) 0251 - This variant is heterozygous. (I) 0304 - Variant is present in gnomAD <0.01 for a recessive condition (v2 and v3: 15 heterozygotes, 0 homozygotes). (SP) 0501 - Missense variant consistently predicted to be damaging by multiple in silico tools or highly conserved with a major amino acid change. (SP) 0600 - Variant is located in the annotated tetratricopeptide repeat domain (DECIPHER). (I) 0705 - No comparable missense variants have previous evidence for pathogenicity. (I) 0809 - Previous evidence of pathogenicity for this variant is inconclusive. This variant has been reported as a VUS in ClinVar. (I) 0905 - No published segregation evidence has been identified for this variant. (I) 1007 - No published functional evidence has been identified for this variant. (I) 1208 - Inheritance information for this variant is not currently available in this individual. (I) Legend: (SP) - Supporting pathogenic, (I) - Information, (SB) - Supporting benign

Fulgent Genetics
Classification: Uncertain significance for Renal-hepatic-pancreatic dysplasia 1; NPHP3-related Meckel-like syndrome; Nephronophthisis 3. Last evaluated: 2021-12-18. Review status: criteria provided, single submitter. Criteria: ACMG Guidelines, 2015. Collection method: clinical testing. Allele origin: unknown.

Blueprint Genetics
Classification: Uncertain significance. Last evaluated: 2021-11-05. Review status: criteria provided, single submitter. Criteria: ACMG Guidelines, 2015. Collection method: clinical testing. Allele origin: germline.

Genome Diagnostics Laboratory, The Hospital for Sick Children
Classification: Uncertain significance for Kidney disorder. Last evaluated: 2021-06-24. Review status: criteria provided, single submitter. Criteria: ACMG Guidelines, 2015. Collection method: clinical testing. Allele origin: germline.

Eurofins Ntd Llc (ga)
Classification: Uncertain significance. Last evaluated: 2018-09-13. Review status: criteria provided, single submitter. Criteria: EGL ClinVar v180209 classification definitions. Collection method: clinical testing. Allele origin: germline. Observed: 1 variant allele, 1 heterozygote.